The following is an entry in ClinVar:

ClinVar aggregate classification (germline): Likely benign (0 of 4 stars; one submission).

Conditions:
JPH1-related disorder. Also called: JPH1-related condition.

Allele frequency attached by ClinVar (database versions not stated): ExAC 0.00006; TOPMed 0.00012; gnomAD 0.00015; 1000 Genomes Project 30x 0.00016; 1000 Genomes Project 0.00020.
gnomAD v4.1: 53 of 1,612,538 alleles (0.0033%); highest among the groups gnomAD compares: Admixed American, 0.083%; 1 homozygote.

Submission:

PreventionGenetics, part of Exact Sciences
Classification: Likely benign for JPH1-related condition. Last evaluated: 2019-08-09. Review status: no assertion criteria provided. Collection method: clinical testing. Allele origin: germline.
Comment: This variant is classified as likely benign based on ACMG/AMP sequence variant interpretation guidelines (Richards et al. 2015 PMID: 25741868, with internal and published modifications).

NM_020647.4(JPH1):c.600C>T (p.Asp200=)

Gene: JPH1 (junctophilin 1; minus strand). Cytogenetic location: 8q21.11.
Variant type: single nucleotide variant.
Coding change: c.600C>T on transcript NM_020647.4 (MANE Select); coding-DNA position 600, C replaced by T.
Protein change: p.Asp200=; no amino-acid change (aspartic acid 200 retained).
Molecular consequence: synonymous variant.
Genome position (GRCh38, 1-based): chr8:74,315,400, G>A on the plus strand (C>T on the coding strand, the complement: JPH1 is on the minus strand). VCF-style: chr8-74315400-G-A. GRCh37 (hg19) VCF-style: chr8-75227635-G-A.
Other names: c.600C>T, p.Asp200= (NM_001317830.2, NM_001363050.1, NM_001363051.1).
Identifiers: ClinVar variation 3034737 (VCV003034737.2), dbSNP rs201425701, ClinGen allele CA4784813.
Genomic context (GRCh38, chr8:74,315,400, plus strand): 5'-GCTTCCAAGAAGGGAGCCCCTCCGGAAGAGGCCGCCCTTCTTCTTGCCCGCTAGCTCAGC[G>A]TCTGCGTGGAAGTTGAGCACGAAACCGCCGCGGGTGCCGGCCGGGCTGTCGGCGGCGGCT-3'
Protein context (NP_065698.1, residues 190-210): RGGFVLNFHA[Asp200=]AELAGKKKGG